The following is an entry in ClinVar:

NM_001369268.1(ACAN):c.1666A>G (p.Arg556Gly)

Gene: ACAN (aggrecan; plus strand). Cytogenetic location: 15q26.1.
Variant type: single nucleotide variant.
Coding change: c.1666A>G on transcript NM_001369268.1 (MANE Select); coding-DNA position 1666, A replaced by G.
Protein change: p.Arg556Gly; replaces arginine 556 with glycine.
Molecular consequence: missense variant.
Genome position (GRCh38, 1-based): chr15:88,847,972, A>G. VCF-style: chr15-88847972-A-G. GRCh37 (hg19) VCF-style: chr15-89391203-A-G.
Other names: c.1666A>G, p.Arg556Gly (NM_013227.4, NM_001135.4, NM_001411096.1 and 1 more transcripts); short protein forms R556G.
Identifiers: ClinVar variation 3997020 (VCV003997020.3).
Genomic context (GRCh38, chr15:88,847,972, plus strand): 5'-TACCCCATTGTGAGCCCCCGGACCCCATGCGTGGGTGACAAGGACAGCAGCCCAGGGGTC[A>G]GGACCTATGGCGTGCGCCCATCAACAGAGACCTACGATGTCTACTGCTTTGTAGACAGAC-3'
Protein context (NP_001356197.1, residues 546-566): VGDKDSSPGV[Arg556Gly]TYGVRPSTET

ClinVar aggregate classification (germline): Uncertain significance. Review status: criteria provided, multiple submitters, no conflicts (2 of 4 stars). 3 submissions from 3 submitters: Uncertain significance (3). Last evaluated 2025-08-25.

Conditions:
Inborn genetic diseases. Identifiers: MedGen C0950123, MeSH D030342.

gnomAD v4.1: 1 of 1,614,048 alleles (0.000062%); highest among the groups gnomAD compares: Non-Finnish European, 0.000085%; no homozygotes.

Submissions (3):

Labcorp Genetics (formerly Invitae), Labcorp
Classification: Uncertain significance. Last evaluated: 2025-08-25. Review status: criteria provided, single submitter. Criteria: Invitae Variant Classification Sherloc (09022015). Collection method: clinical testing. Allele origin: germline.
Comment: This sequence change replaces arginine, which is basic and polar, with glycine, which is neutral and non-polar, at codon 556 of the ACAN protein (p.Arg556Gly). This variant is not present in population databases (gnomAD no frequency). This variant has not been reported in the literature in individuals affected with ACAN-related conditions. ClinVar contains an entry for this variant (Variation ID: 3997020). Invitae Evidence Modeling of protein sequence and biophysical properties (such as structural, functional, and spatial information, amino acid conservation, physicochemical variation, residue mobility, and thermodynamic stability) indicates that this missense variant is not expected to disrupt ACAN protein function with a negative predictive value of 80%. In summary, the available evidence is currently insufficient to determine the role of this variant in disease. Therefore, it has been classified as a Variant of Uncertain Significance.

Ambry Genetics
Classification: Uncertain significance for Inborn genetic diseases. Last evaluated: 2025-06-03. Review status: criteria provided, single submitter. Criteria: Ambry Variant Classification Scheme 2023. Collection method: clinical testing. Allele origin: germline.

GeneDx
Classification: Uncertain significance. Last evaluated: 2025-02-04. Review status: criteria provided, single submitter. Criteria: GeneDx Variant Classification Process June 2021. Collection method: clinical testing. Allele origin: germline. Affected: yes.
Comment: Not observed in large population cohorts (gnomAD); In silico analysis supports that this missense variant has a deleterious effect on protein structure/function; Has not been previously published as pathogenic or benign to our knowledge